The following is an entry in ClinVar:

ClinVar aggregate classification (germline): Uncertain significance (1 of 4 stars; one submission).

Submission:

Labcorp Genetics (formerly Invitae), Labcorp
Classification: Uncertain significance. Last evaluated: 2024-05-14. Review status: criteria provided, single submitter. Criteria: Invitae Variant Classification Sherloc (09022015). Collection method: clinical testing. Allele origin: germline.
Comment: This sequence change replaces asparagine, which is neutral and polar, with threonine, which is neutral and polar, at codon 170 of the TNFAIP3 protein (p.Asn170Thr). This variant is not present in population databases (gnomAD no frequency). This variant has not been reported in the literature in individuals affected with TNFAIP3-related conditions. Advanced modeling of protein sequence and biophysical properties (such as structural, functional, and spatial information, amino acid conservation, physicochemical variation, residue mobility, and thermodynamic stability) performed at Invitae indicates that this missense variant is not expected to disrupt TNFAIP3 protein function with a negative predictive value of 80%. In summary, the available evidence is currently insufficient to determine the role of this variant in disease. Therefore, it has been classified as a Variant of Uncertain Significance.

NM_001270508.2(TNFAIP3):c.509A>C (p.Asn170Thr)

Genes: TNFAIP3 (TNF alpha induced protein 3; plus strand), LOC126859807 (MED14-independent group 3 enhancer GRCh37_chr6:138196296-138197495; plus strand). Cytogenetic location: 6q23.3.
Variant type: single nucleotide variant.
Coding change: c.509A>C on transcript NM_001270508.2 (MANE Select); coding-DNA position 509, A replaced by C.
Protein change: p.Asn170Thr; replaces asparagine 170 with threonine.
Molecular consequence: missense variant.
Genome position (GRCh38, 1-based): chr6:137,875,710, A>C. VCF-style: chr6-137875710-A-C. GRCh37 (hg19) VCF-style: chr6-138196847-A-C.
Other names: c.509A>C, p.Asn170Thr (NM_001270507.2, NM_006290.4); short protein forms N170T.
Identifiers: ClinVar variation 3653371 (VCV003653371.2).
Genomic context (GRCh38, chr6:137,875,710, plus strand): 5'-GATACATTCAAGCTTTTTTTTCACCCCGCTCCCCTTAGAACTGGAATGATGAATGGGACA[A>C]TCTTATCAAAATGGCTTCCACAGACACACCCATGGCCCGAAGTGGACTTCAGTACAACTC-3'
Protein context (NP_001257437.1, residues 160-180): DTRNWNDEWD[Asn170Thr]LIKMASTDTP